The following is an entry in ClinVar:

ClinVar aggregate classification (germline): Uncertain significance (1 of 4 stars; one submission).

Conditions:
Juvenile polyposis syndrome (JPS). Identifiers: Orphanet 2929, MedGen C0345893, MONDO:0017380, OMIM 174900.

Submission:

Labcorp Genetics (formerly Invitae), Labcorp
Classification: Uncertain significance for Juvenile polyposis syndrome. Last evaluated: 2023-09-19. Review status: criteria provided, single submitter. Criteria: Invitae Variant Classification Sherloc (09022015). Collection method: clinical testing. Allele origin: germline.
Comment: In summary, the available evidence is currently insufficient to determine the role of this variant in disease. Therefore, it has been classified as a Variant of Uncertain Significance. Advanced modeling of protein sequence and biophysical properties (such as structural, functional, and spatial information, amino acid conservation, physicochemical variation, residue mobility, and thermodynamic stability) performed at Invitae indicates that this missense variant is not expected to disrupt BMPR1A protein function. This variant has not been reported in the literature in individuals affected with BMPR1A-related conditions. This variant is not present in population databases (gnomAD no frequency). This sequence change replaces aspartic acid, which is acidic and polar, with glutamic acid, which is acidic and polar, at codon 208 of the BMPR1A protein (p.Asp208Glu).

NM_004329.3(BMPR1A):c.624C>A (p.Asp208Glu)

Gene: BMPR1A (bone morphogenetic protein receptor type 1A; plus strand). Cytogenetic location: 10q23.2.
Variant type: single nucleotide variant.
Coding change: c.624C>A on transcript NM_004329.3 (MANE Select); coding-DNA position 624, C replaced by A.
Protein change: p.Asp208Glu; replaces aspartic acid 208 with glutamic acid.
Molecular consequence: missense variant. On other transcripts: intron variant (1), non-coding transcript variant (3).
Genome position (GRCh38, 1-based): chr10:86,912,333, C>A. VCF-style: chr10-86912333-C-A. GRCh37 (hg19) VCF-style: chr10-88672090-C-A.
Other names: c.624C>A, p.Asp208Glu (NM_001406575.1, NM_001406576.1, NM_001406577.1 and 20 more transcripts); c.699C>A, p.Asp233Glu (NM_001406559.1); c.672C>A, p.Asp224Glu (NM_001406560.1); c.334-4801C>A (NM_001406589.1); c.540C>A, p.Asp180Glu (NM_001406584.1, NM_001406585.1, NM_001406586.1 and 2 more transcripts); short protein forms D180E, D233E, D208E, D224E.
Identifiers: ClinVar variation 2761708 (VCV002761708.3), dbSNP rs2539573748, ClinGen allele CA377454856.